The following is an entry in ClinVar:

ClinVar aggregate classification (germline): Conflicting classifications of pathogenicity. Review status: criteria provided, conflicting classifications (1 of 4 stars). 16 submissions from 12 submitters: Uncertain significance (4); Benign (2); Likely benign (6). 4 of the submissions do not count toward it. Last evaluated 2026-04-14.

Conditions:
TTN-related disorder. Also called: TTN-related condition; TTN-related disease; TTN-related disorders.
Dilated cardiomyopathy 1G (CMD1G). Identifiers: Orphanet 154, MedGen C1858763, MONDO:0011400, OMIM 604145.
Autosomal recessive limb-girdle muscular dystrophy type 2J (LGMDR10). Also called: Limb-girdle muscular dystrophy, type 2J; MUSCULAR DYSTROPHY, LIMB-GIRDLE, AUTOSOMAL RECESSIVE 10. Identifiers: Orphanet 140922, MedGen C1837342, MONDO:0012127, OMIM 608807.
Cardiovascular phenotype. Identifiers: MedGen CN230736.
Tibial muscular dystrophy (TMD). Also called: Tibial muscular dystrophy, tardive; Udd Distal Myopathy – Tibial Muscular Dystrophy; UDD MYOPATHY. Identifiers: Orphanet 609, MedGen C1838244, MONDO:0010870, OMIM 600334.
Early-onset myopathy with fatal cardiomyopathy (CMYO5). Also called: Salih Myopathy; CONGENITAL MYOPATHY 5 WITH CARDIOMYOPATHY. Identifiers: Orphanet 289377, MedGen C2673677, MONDO:0012714, OMIM 611705. Disease mechanism: loss of function.
Myopathy, myofibrillar, 9, with early respiratory failure (MFM9). Also called: Myopathy, distal, with early respiratory failure, autosomal dominant; MYOPATHY, PROXIMAL, WITH EARLY RESPIRATORY MUSCLE INVOLVEMENT; Hereditary myopathy with early respiratory failure; EDSTROM MYOPATHY. Identifiers: Orphanet 178464, Orphanet 34521, MedGen C1863599, MONDO:0011362, OMIM 603689.

Allele frequency attached by ClinVar (database versions not stated): TOPMed 0.00002; 1000 Genomes Project 30x 0.00094; 1000 Genomes Project 0.00100.
gnomAD v4.1: 195 of 1,613,952 alleles (0.012%); highest among the groups gnomAD compares: South Asian, 0.2%; 1 homozygote.

Submissions (16):

PreventionGenetics, part of Exact Sciences
Classification: Likely benign for TTN-related condition. Last evaluated: 2026-04-14. Review status: criteria provided, single submitter. Criteria: ACMG Guidelines, 2015. Collection method: clinical testing. Allele origin: germline.
Comment: This variant is classified as likely benign based on ACMG/AMP sequence variant interpretation guidelines (Richards et al. 2015 PMID: 25741868, with internal and published modifications).

Labcorp Genetics (formerly Invitae), Labcorp
Classification: Likely benign for Dilated cardiomyopathy 1G; Autosomal recessive limb-girdle muscular dystrophy type 2J. Last evaluated: 2025-12-29. Review status: criteria provided, single submitter. Criteria: Invitae Variant Classification Sherloc (09022015). Collection method: clinical testing. Allele origin: germline.

Molecular Diagnostic Laboratory for Inherited Cardiovascular Disease, Montreal Heart Institute
Classification: Likely benign. Last evaluated: 2025-04-09. Review status: criteria provided, single submitter. Criteria: ACMG Guidelines, 2015. Collection method: clinical testing. Allele origin: germline. Affected: no.

Revvity Omics, Revvity
Classification: Uncertain significance. Last evaluated: 2023-06-09. Review status: criteria provided, single submitter. Criteria: ACMG Guidelines, 2015. Collection method: clinical testing. Allele origin: germline.

Women's Health and Genetics/Laboratory Corporation of America, LabCorp
Classification: Likely benign. Last evaluated: 2022-04-11. Review status: criteria provided, single submitter. Criteria: LabCorp Variant Classification Summary - May 2015. Collection method: clinical testing. Allele origin: germline.
Comment: Variant summary: TTN c.6359G>T (p.Arg2120Leu) results in a non-conservative amino acid change located in the near Z-disk/I-band of the encoded protein sequence. Four of five in-silico tools predict a damaging effect of the variant on protein function. The variant allele was found at a frequency of 0.0003 in 251020 control chromosomes, predominantly at a frequency of 0.0025 within the South Asian subpopulation in the gnomAD database, including 1 homozygote. The observed variant frequency within South Asian control individuals in the gnomAD database is approximately 6 fold of the estimated maximal expected allele frequency for a pathogenic variant in TTN causing Dilated Cardiomyopathy phenotype (0.00039), strongly suggesting that the variant is a benign polymorphism found primarily in populations of South Asian origin. To our knowledge, no occurrence of c.6359G>T in individuals affected with Dilated Cardiomyopathy and no experimental evidence demonstrating its impact on protein function have been reported. Four ClinVar submitters (evaluation after 2014) cite the variant as uncertain significance (n=1), likely benign (n=2) and benign (n=1). Based on the evidence outlined above, the variant was classified as likely benign.

GeneDx
Classification: Likely benign. Last evaluated: 2019-12-12. Review status: criteria provided, single submitter. Criteria: GeneDx Variant Classification Process June 2021. Collection method: clinical testing. Allele origin: germline. Affected: yes.

Ambry Genetics
Classification: Likely benign for Cardiovascular phenotype. Last evaluated: 2019-05-10. Review status: criteria provided, single submitter. Criteria: Ambry Variant Classification Scheme 2023. Collection method: clinical testing. Allele origin: germline.

Illumina Laboratory Services, Illumina
Classification: Benign for Tibial muscular dystrophy. Last evaluated: 2018-01-12. Review status: criteria provided, single submitter. Criteria: ICSL Variant Classification Criteria 13 December 2019. Collection method: clinical testing. Allele origin: germline.
Comment: This variant was observed in the ICSL laboratory as part of a predisposition screen in an ostensibly healthy population. It had not been previously curated by ICSL or reported in the Human Gene Mutation Database (HGMD: prior to June 1st, 2018), and was therefore a candidate for classification through an automated scoring system. Utilizing variant allele frequency, disease prevalence and penetrance estimates, and inheritance mode, an automated score was calculated to assess if this variant is too frequent to cause the disease. Based on the score and internal cut-off values, a variant classified as benign is not then subjected to further curation. The score for this variant resulted in a classification of benign for this disease.

Illumina Laboratory Services, Illumina
Classification: Benign for Myopathy, myofibrillar, 9, with early respiratory failure. Last evaluated: 2018-01-12. Review status: criteria provided, single submitter. Criteria: ICSL Variant Classification Criteria 13 December 2019. Collection method: clinical testing. Allele origin: germline.
Comment: the same text as in the submission from Illumina Laboratory Services, Illumina above.

Illumina Laboratory Services, Illumina
Classification: Uncertain significance for Dilated cardiomyopathy 1G. Last evaluated: 2018-01-12. Review status: criteria provided, single submitter. Criteria: ICSL Variant Classification Criteria 13 December 2019. Collection method: clinical testing. Allele origin: germline.

Illumina Laboratory Services, Illumina
Classification: Uncertain significance for Autosomal recessive limb-girdle muscular dystrophy type 2J. Last evaluated: 2018-01-12. Review status: criteria provided, single submitter. Criteria: ICSL Variant Classification Criteria 13 December 2019. Collection method: clinical testing. Allele origin: germline.

Illumina Laboratory Services, Illumina
Classification: Uncertain significance for Early-onset myopathy with fatal cardiomyopathy. Last evaluated: 2018-01-12. Review status: criteria provided, single submitter. Criteria: ICSL Variant Classification Criteria 13 December 2019. Collection method: clinical testing. Allele origin: germline.

Clinical Genetics DNA and cytogenetics Diagnostics Lab, Erasmus MC, Erasmus Medical Center
Classification: Likely benign. Review status: no assertion criteria provided. Collection method: clinical testing. Allele origin: germline. Affected: yes. Study: VKGL Data-share Consensus. Not counted in ClinVar's aggregate classification.

Clinical Genetics, Academic Medical Center
Classification: Benign. Review status: no assertion criteria provided. Collection method: clinical testing. Allele origin: germline. Affected: yes. Study: VKGL Data-share Consensus. Not counted in ClinVar's aggregate classification.

Diagnostic Laboratory, Department of Genetics, University Medical Center Groningen
Classification: Likely benign. Review status: no assertion criteria provided. Collection method: clinical testing. Allele origin: germline. Affected: yes. Study: VKGL Data-share Consensus. Not counted in ClinVar's aggregate classification.

Genome Diagnostics Laboratory, University Medical Center Utrecht
Classification: Likely benign. Review status: no assertion criteria provided. Collection method: clinical testing. Allele origin: germline. Affected: yes. Study: VKGL Data-share Consensus. Not counted in ClinVar's aggregate classification.

NM_001267550.2(TTN):c.6359G>T (p.Arg2120Leu)

Gene: TTN (titin; minus strand). Cytogenetic location: 2q31.2.
Variant type: single nucleotide variant.
Coding change: c.6359G>T on transcript NM_001267550.2 (MANE Select); coding-DNA position 6359, G replaced by T.
Protein change: p.Arg2120Leu; replaces arginine 2120 with leucine.
Molecular consequence: missense variant.
Genome position (GRCh38, 1-based): chr2:178,775,505, C>A on the plus strand (G>T on the coding strand, the complement: TTN is on the minus strand). VCF-style: chr2-178775505-C-A. GRCh37 (hg19) VCF-style: chr2-179640232-C-A.
Other names: p.R2120L:CGG>CTG; c.6359G>T, p.Arg2120Leu (NM_001256850.1, NM_133378.4, NM_133379.5); c.6221G>T, p.Arg2074Leu (NM_003319.4, NM_133432.3, NM_133437.4); short protein forms R2120L, R2074L.
Identifiers: ClinVar variation 203144 (VCV000203144.28), dbSNP rs141142920, ClinGen allele CA311424.